The following is an entry in ClinVar:

NM_020461.4(TUBGCP6):c.5104A>G (p.Thr1702Ala)

Gene: TUBGCP6 (tubulin gamma complex component 6; minus strand). Cytogenetic location: 22q13.33.
Variant type: single nucleotide variant.
Coding change: c.5104A>G on transcript NM_020461.4 (MANE Select); coding-DNA position 5104, A replaced by G.
Protein change: p.Thr1702Ala; replaces threonine 1702 with alanine.
Molecular consequence: missense variant.
Genome position (GRCh38, 1-based): chr22:50,218,253, T>C on the plus strand (A>G on the coding strand, the complement: TUBGCP6 is on the minus strand). VCF-style: chr22-50218253-T-C. GRCh37 (hg19) VCF-style: chr22-50656682-T-C.
Other names: short protein forms T1702A.
Identifiers: ClinVar variation 934255 (VCV000934255.8), dbSNP rs777748338, ClinGen allele CA10307185.

ClinVar aggregate classification (germline): Uncertain significance. Review status: criteria provided, multiple submitters, no conflicts (2 of 4 stars). 2 submissions from 2 submitters: Uncertain significance (2). Last evaluated 2025-08-23.

Conditions:
Inborn genetic diseases. Identifiers: MedGen C0950123, MeSH D030342.

Allele frequency attached by ClinVar (database versions not stated): ExAC 0.00001; TOPMed 0.00001; gnomAD 0.00002.
gnomAD v4.1: 15 of 1,612,914 alleles (0.00093%); highest among the groups gnomAD compares: Admixed American, 0.0033%; no homozygotes.

Submissions (2):

Ambry Genetics
Classification: Uncertain significance for Inborn genetic diseases. Last evaluated: 2025-08-23. Review status: criteria provided, single submitter. Criteria: Ambry Variant Classification Scheme 2023. Collection method: clinical testing. Allele origin: germline.

Labcorp Genetics (formerly Invitae), Labcorp
Classification: Uncertain significance. Last evaluated: 2021-02-13. Review status: criteria provided, single submitter. Criteria: Invitae Variant Classification Sherloc (09022015). Collection method: clinical testing. Allele origin: germline.
Comment: In summary, the available evidence is currently insufficient to determine the role of this variant in disease. Therefore, it has been classified as a Variant of Uncertain Significance. Algorithms developed to predict the effect of missense changes on protein structure and function output the following: SIFT: "Tolerated"; PolyPhen-2: "Benign"; Align-GVGD: "Class C0". The alanine amino acid residue is found in multiple mammalian species, suggesting that this missense change does not adversely affect protein function. These predictions have not been confirmed by published functional studies and their clinical significance is uncertain. This variant has not been reported in the literature in individuals with TUBGCP6-related conditions. This variant is present in population databases (rs777748338, ExAC 0.002%). This sequence change replaces threonine with alanine at codon 1702 of the TUBGCP6 protein (p.Thr1702Ala). The threonine residue is weakly conserved and there is a small physicochemical difference between threonine and alanine.